The following is an entry in ClinVar:

ClinVar aggregate classification (germline): Uncertain significance. Review status: criteria provided, multiple submitters, no conflicts (2 of 4 stars). 2 submissions from 2 submitters: Uncertain significance (2). Last evaluated 2025-08-13.

Conditions:
Cardiovascular phenotype. Identifiers: MedGen CN230736.
Hereditary cancer-predisposing syndrome. Also called: Tumor predisposition; Neoplastic Syndromes, Hereditary; Hereditary neoplastic syndrome; Hereditary Cancer Syndrome. Identifiers: Orphanet 140162, MedGen C0027672, MeSH D009386, MONDO:0015356.

gnomAD v4.1: 4 of 1,548,488 alleles (0.00026%); highest among the groups gnomAD compares: South Asian, 0.0036%; no homozygotes.

Submissions (2):

Labcorp Genetics (formerly Invitae), Labcorp
Classification: Uncertain significance. Last evaluated: 2025-08-13. Review status: criteria provided, single submitter. Criteria: Invitae Variant Classification Sherloc (09022015). Collection method: clinical testing. Allele origin: germline.
Comment: This sequence change affects codon 331 of the LZTR1 mRNA. It is a 'silent' change, meaning that it does not change the encoded amino acid sequence of the LZTR1 protein. This variant also falls at the last nucleotide of exon 9, which is part of the consensus splice site for this exon. This variant is present in population databases (no rsID available, gnomAD 0.004%). This variant has not been reported in the literature in individuals affected with LZTR1-related conditions. Variants that disrupt the consensus splice site are a relatively common cause of aberrant splicing (PMID: 17576681, 9536098). Algorithms developed to predict the effect of sequence changes on RNA splicing suggest that this variant may disrupt the consensus splice site. In summary, the available evidence is currently insufficient to determine the role of this variant in disease. Therefore, it has been classified as a Variant of Uncertain Significance.

Ambry Genetics
Classification: Uncertain significance for Cardiovascular phenotype; Hereditary cancer-predisposing syndrome. Last evaluated: 2025-08-12. Review status: criteria provided, single submitter. Criteria: Ambry Variant Classification Scheme 2023. Collection method: clinical testing. Allele origin: germline.
Comment: The c.993G>A variant (also known as p.E331E), located in coding exon 9 of the LZTR1 gene, results from a G to A substitution at nucleotide position 993. This nucleotide substitution does not change the glutamic acid at codon 331. However, this change occurs in the last base pair of coding exon 9, which makes it likely to have some effect on normal mRNA splicing. This nucleotide position is highly conserved in available vertebrate species. In silico splice site analysis predicts that this alteration may weaken the native splice donor site. RNA studies have demonstrated that this alteration results in an incomplete splice defect; the clinical impact of this abnormal splicing is unknown at this time (Ambry internal data). Based on the available evidence, the clinical significance of this variant remains unclear.

Literature cited by the submitters: PubMed 17576681 (cited by Labcorp Genetics (formerly Invitae), Labcorp); PubMed 9536098 (cited by Labcorp Genetics (formerly Invitae), Labcorp).

NM_006767.4(LZTR1):c.993G>A (p.Glu331=)

Gene: LZTR1 (leucine zipper like post translational regulator 1; plus strand). Cytogenetic location: 22q11.21.
Variant type: single nucleotide variant.
Coding change: c.993G>A on transcript NM_006767.4 (MANE Select); coding-DNA position 993, G replaced by A.
Protein change: p.Glu331=; no amino-acid change (glutamic acid 331 retained).
Molecular consequence: synonymous variant.
Genome position (GRCh38, 1-based): chr22:20,991,829, G>A. VCF-style: chr22-20991829-G-A. GRCh37 (hg19) VCF-style: chr22-21346118-G-A.
Identifiers: ClinVar variation 4101815 (VCV004101815.2).